The following is an entry in ClinVar:

NM_020191.4(MRPS22):c.883G>A (p.Asp295Asn)

Gene: MRPS22 (mitochondrial ribosomal protein S22; plus strand). Cytogenetic location: 3q23.
Variant type: single nucleotide variant.
Coding change: c.883G>A on transcript NM_020191.4 (MANE Select); coding-DNA position 883, G replaced by A.
Protein change: p.Asp295Asn; replaces aspartic acid 295 with asparagine.
Molecular consequence: missense variant.
Genome position (GRCh38, 1-based): chr3:139,355,686, G>A. VCF-style: chr3-139355686-G-A. GRCh37 (hg19) VCF-style: chr3-139074528-G-A.
Other names: c.760G>A, p.Asp254Asn (NM_001363857.1); c.880G>A, p.Asp294Asn (NM_001363893.1); c.883G>A (NM_020191.2); short protein forms D295N, D294N, D254N.
Identifiers: ClinVar variation 1407582 (VCV001407582.5), dbSNP rs771393161, ClinGen allele CA2640855.

ClinVar aggregate classification (germline): Uncertain significance. Review status: criteria provided, multiple submitters, no conflicts (2 of 4 stars). 2 submissions from 2 submitters: Uncertain significance (2). Last evaluated 2024-12-16.

Conditions:
Inborn genetic diseases. Identifiers: MedGen C0950123, MeSH D030342.

Allele frequency attached by ClinVar (database versions not stated): gnomAD 0.00001 and 0.00002; gnomAD exomes 0.00004 and 0.00010; ExAC 0.00007; TOPMed 0.00007.

Submissions (2):

Labcorp Genetics (formerly Invitae), Labcorp
Classification: Uncertain significance. Last evaluated: 2024-12-16. Review status: criteria provided, single submitter. Criteria: Invitae Variant Classification Sherloc (09022015). Collection method: clinical testing. Allele origin: germline.
Comment: This sequence change replaces aspartic acid, which is acidic and polar, with asparagine, which is neutral and polar, at codon 295 of the MRPS22 protein (p.Asp295Asn). This variant is present in population databases (rs771393161, gnomAD 0.05%). This variant has not been reported in the literature in individuals affected with MRPS22-related conditions. ClinVar contains an entry for this variant (Variation ID: 1407582). Invitae Evidence Modeling of protein sequence and biophysical properties (such as structural, functional, and spatial information, amino acid conservation, physicochemical variation, residue mobility, and thermodynamic stability) indicates that this missense variant is not expected to disrupt MRPS22 protein function with a negative predictive value of 80%. In summary, the available evidence is currently insufficient to determine the role of this variant in disease. Therefore, it has been classified as a Variant of Uncertain Significance.

Ambry Genetics
Classification: Uncertain significance for Inborn genetic diseases. Last evaluated: 2022-10-26. Review status: criteria provided, single submitter. Criteria: Ambry Variant Classification Scheme 2023. Collection method: clinical testing. Allele origin: germline.